The following is an entry in ClinVar:

ClinVar aggregate classification (germline): Uncertain significance (1 of 4 stars; one submission).

gnomAD v4.1: 2 of 1,613,982 alleles (0.00012%); highest among the groups gnomAD compares: East Asian, 0.0045%; no homozygotes.

Submission:

Labcorp Genetics (formerly Invitae), Labcorp
Classification: Uncertain significance. Last evaluated: 2026-01-05. Review status: criteria provided, single submitter. Criteria: Invitae Variant Classification Sherloc (09022015). Collection method: clinical testing. Allele origin: germline.
Comment: This sequence change replaces glutamic acid, which is acidic and polar, with valine, which is neutral and non-polar, at codon 37 of the RNF43 protein (p.Glu37Val). This variant is present in population databases (no rsID available, gnomAD 0.06%). This variant has not been reported in the literature in individuals affected with RNF43-related conditions. An algorithm developed to predict the effect of missense changes on protein structure and function (PolyPhen-2) suggests that this variant is likely to be disruptive. In summary, the available evidence is currently insufficient to determine the role of this variant in disease. Therefore, it has been classified as a Variant of Uncertain Significance.

NM_017763.6(RNF43):c.110A>T (p.Glu37Val)

Gene: RNF43 (ring finger protein 43; minus strand). Cytogenetic location: 17q22.
Variant type: single nucleotide variant.
Coding change: c.110A>T on transcript NM_017763.6 (MANE Select); coding-DNA position 110, A replaced by T.
Protein change: p.Glu37Val; replaces glutamic acid 37 with valine.
Molecular consequence: missense variant. On other transcripts: intron variant (1).
Genome position (GRCh38, 1-based): chr17:58,415,468, T>A on the plus strand (A>T on the coding strand, the complement: RNF43 is on the minus strand). VCF-style: chr17-58415468-T-A. GRCh37 (hg19) VCF-style: chr17-56492829-T-A.
Other names: c.110A>T, p.Glu37Val (NM_001305544.3, NM_001438820.1, NM_001438821.1 and 1 more transcripts); c.-130+1549A>T (NM_001437987.1); short protein forms E37V.
Identifiers: ClinVar variation 4761427 (VCV004761427.1).